The following is an entry in ClinVar:

ClinVar aggregate classification (germline): Uncertain significance (1 of 4 stars; one submission).

Conditions:
Episodic ataxia type 2 (EA2). Also called: ACETAZOLAMIDE-RESPONSIVE HEREDITARY PAROXYSMAL CEREBELLAR ATAXIA; ATAXIA, EPISODIC, WITH NYSTAGMUS; ATAXIA, FAMILIAL PAROXYSMAL; CEREBELLAR ATAXIA, PAROXYSMAL, ACETAZOLAMIDE-RESPONSIVE; CEREBELLOPATHY, HEREDITARY PAROXYSMAL; EPISODIC ATAXIA, NYSTAGMUS-ASSOCIATED. Identifiers: Orphanet 97, MedGen C1720416, MONDO:0007163, OMIM 108500.
Developmental and epileptic encephalopathy, 42 (DEE42A). Also called: EPILEPTIC ENCEPHALOPATHY, EARLY INFANTILE, 42A; DEVELOPMENTAL AND EPILEPTIC ENCEPHALOPATHY 42A; Epileptic encephalopathy, early infantile, 42. Identifiers: MedGen C4310716, MONDO:0014917, OMIM 617106.

Allele frequency attached by ClinVar (database versions not stated): gnomAD exomes below 0.00001.
gnomAD v4.1: 1 of 1,542,092 alleles (0.000065%); highest among the groups gnomAD compares: Non-Finnish European, 0.000087%; no homozygotes.

Submission:

Labcorp Genetics (formerly Invitae), Labcorp
Classification: Uncertain significance for Developmental and epileptic encephalopathy, 42; Episodic ataxia type 2. Last evaluated: 2022-04-29. Review status: criteria provided, single submitter. Criteria: Invitae Variant Classification Sherloc (09022015). Collection method: clinical testing. Allele origin: germline.
Comment: In summary, the available evidence is currently insufficient to determine the role of this variant in disease. Therefore, it has been classified as a Variant of Uncertain Significance. Advanced modeling of protein sequence and biophysical properties (such as structural, functional, and spatial information, amino acid conservation, physicochemical variation, residue mobility, and thermodynamic stability) performed at Invitae indicates that this missense variant is not expected to disrupt CACNA1A protein function. This variant has not been reported in the literature in individuals affected with CACNA1A-related conditions. This variant is not present in population databases (gnomAD no frequency). This sequence change replaces arginine, which is basic and polar, with leucine, which is neutral and non-polar, at codon 949 of the CACNA1A protein (p.Arg949Leu).

NM_001127222.2(CACNA1A):c.2843G>T (p.Arg948Leu)

Gene: CACNA1A (calcium voltage-gated channel subunit alpha1 A; minus strand). Cytogenetic location: 19p13.13.
Variant type: single nucleotide variant.
Coding change: c.2843G>T on transcript NM_001127222.2 (MANE Select); coding-DNA position 2843, G replaced by T.
Protein change: p.Arg948Leu; replaces arginine 948 with leucine.
Molecular consequence: missense variant.
Genome position (GRCh38, 1-based): chr19:13,298,790, C>A on the plus strand (G>T on the coding strand, the complement: CACNA1A is on the minus strand). VCF-style: chr19-13298790-C-A. GRCh37 (hg19) VCF-style: chr19-13409604-C-A.
Other names: c.2855G>T, p.Arg952Leu (NM_000068.4, NM_023035.3); c.2846G>T, p.Arg949Leu (NM_001127221.2, NM_001174080.2); short protein forms R948L, R949L, R952L.
Identifiers: ClinVar variation 2126990 (VCV002126990.4), dbSNP rs2057726484, ClinGen allele CA404342606.